The following is an entry in ClinVar:

NM_170682.4(P2RX2):c.964G>A (p.Gly322Arg)

Gene: P2RX2 (purinergic receptor P2X 2; plus strand). Cytogenetic location: 12q24.33.
Variant type: single nucleotide variant.
Coding change: c.964G>A on transcript NM_170682.4 (MANE Select); coding-DNA position 964, G replaced by A.
Protein change: p.Gly322Arg; replaces glycine 322 with arginine.
Molecular consequence: missense variant.
Genome position (GRCh38, 1-based): chr12:132,621,313, G>A. VCF-style: chr12-132621313-G-A. GRCh37 (hg19) VCF-style: chr12-133197899-G-A.
Other names: c.862G>A, p.Gly288Arg (NM_001282164.2); c.964G>A, p.Gly322Arg (NM_001282165.2, NM_170683.4, NM_174873.3); c.748G>A, p.Gly250Arg (NM_012226.5); c.892G>A, p.Gly298Arg (NM_016318.4); c.688G>A, p.Gly230Arg (NM_174872.3); c.964G>A (NM_174873.2); short protein forms G250R, G322R, G230R, G298R, G288R.
Identifiers: ClinVar variation 229125 (VCV000229125.13), dbSNP rs201474543, ClinGen allele CA6891737.

ClinVar aggregate classification (germline): Benign/Likely benign. Review status: criteria provided, multiple submitters, no conflicts (2 of 4 stars). 5 submissions from 5 submitters: Benign (2); Likely benign (3). Last evaluated 2026-07-13.

Conditions:
P2RX2-related disorder. Also called: P2RX2-related condition.

Allele frequency attached by ClinVar (database versions not stated): ESP Exome Variant Server 0.00008; gnomAD 0.00008 and 0.00013; TOPMed 0.00008; 1000 Genomes Project 30x 0.00016; 1000 Genomes Project 0.00020; gnomAD exomes 0.00021 and 0.00023; ExAC 0.00026.
gnomAD v4.1: 331 of 1,614,040 alleles (0.021%); highest among the groups gnomAD compares: Middle Eastern, 0.13%; 2 homozygotes.

Submissions (5):

PreventionGenetics, part of Exact Sciences
Classification: Likely benign for P2RX2-related condition. Last evaluated: 2026-07-13. Review status: criteria provided, single submitter. Criteria: ACMG Guidelines, 2015. Collection method: clinical testing. Allele origin: germline.
Comment: This variant is classified as likely benign based on ACMG/AMP sequence variant interpretation guidelines (Richards et al. 2015 PMID: 25741868, with internal and published modifications).

Labcorp Genetics (formerly Invitae), Labcorp
Classification: Likely benign. Last evaluated: 2025-12-13. Review status: criteria provided, single submitter. Criteria: Invitae Variant Classification Sherloc (09022015). Collection method: clinical testing. Allele origin: germline.

Genomic Medicine Center of Excellence, King Faisal Specialist Hospital and Research Centre
Classification: Likely benign. Last evaluated: 2025-08-18. Review status: criteria provided, single submitter. Criteria: ACMG Guidelines, 2015. Collection method: clinical testing. Allele origin: germline.

Laboratory for Molecular Medicine, Mass General Brigham Personalized Medicine
Classification: Benign. Last evaluated: 2018-05-15. Review status: criteria provided, single submitter. Criteria: LMM Criteria. Collection method: clinical testing. Allele origin: germline. Observed: 3 variant alleles.
Comment: p.Gly322Arg in exon 9 of P2RX2: This variant is classified as benign because it is presen tin 0.1% (32/30780) of South Asian chromosomes by the Genome Aggregati on Database (gnomAD; dbSNP rs201474543), and o ur laboratory has observed a nonsegregation of the variant in an affected siblin g with hearing loss. ACMG/AMP criteria applied: BA1, BS4.

Breakthrough Genomics
Classification: Benign. Review status: criteria provided, single submitter. Criteria: ACMG Guidelines, 2015. Collection method: not provided. Allele origin: germline. Inheritance: Autosomal dominant inheritance. Affected: yes.